The following is an entry in ClinVar:

NM_001379210.1(SLC25A26):c.803_809del (p.Glu268fs)

Gene: SLC25A26 (solute carrier family 25 member 26; plus strand). Cytogenetic location: 3p14.1.
Variant type: Deletion.
Coding change: c.803_809del on transcript NM_001379210.1 (MANE Select); coding-DNA positions 803 to 809, 7 bases deleted (AAGTTGG; older notation c.803_809delAAGTTGG).
Protein change: p.Glu268fs; shifts the reading frame from glutamic acid 268.
Molecular consequence: frameshift variant. On other transcripts: non-coding transcript variant (1).
Genome position (GRCh38, 1-based): chr3:66,377,785-66,377,791, AAGTTGG deleted; deleting any 7 consecutive bases within chr3:66,377,780-66,377,791 gives the same sequence; the c. name uses the placement nearest the transcript's 3' end. VCF-style (leftmost placement, unchanged base first): chr3-66377779-TGTTGGAA-T. GRCh37 (hg19) VCF-style: chr3-66428203-TGTTGGAA-T.
Other names: c.539_545del, p.Glu180fs (NM_001164796.1, NM_001350993.1); c.803_809del, p.Glu268fs (NM_173471.4); c.803_809del (NM_173471.3); c.803_809delAAGTTGG (NM_173471.3); short protein forms E268fs, E180fs.
Identifiers: ClinVar variation 377066 (VCV000377066.10), dbSNP rs756882441, ClinGen allele CA2483911.

ClinVar aggregate classification (germline): Uncertain significance. Review status: criteria provided, multiple submitters, no conflicts (2 of 4 stars). 4 submissions from 4 submitters: Uncertain significance (4). Last evaluated 2026-01-14.

Conditions:
Inborn genetic diseases. Identifiers: MedGen C0950123, MeSH D030342.

Submissions (4):

GeneDx
Classification: Uncertain significance. Last evaluated: 2026-01-14. Review status: criteria provided, single submitter. Criteria: GeneDx Variant Classification Process June 2021. Collection method: clinical testing. Allele origin: germline.
Comment: Frameshift variant predicted to result in abnormal protein length as the last 7 amino acids are replaced with 38 different amino acids with an unclear effect on protein function; Has not been previously published as pathogenic or benign to our knowledge

Labcorp Genetics (formerly Invitae), Labcorp
Classification: Uncertain significance. Last evaluated: 2025-10-10. Review status: criteria provided, single submitter. Criteria: Invitae Variant Classification Sherloc (09022015). Collection method: clinical testing. Allele origin: germline.
Comment: This sequence change is expected to alter the c-terminus of the SLC25A26 protein (p.Glu180Alafs*39). While this is not anticipated to result in nonsense mediated decay, it is expected to disrupt the last 7 amino acid(s) of the SLC25A26 protein and extend the protein by 31 additional amino acid residues. The frequency data for this variant in the population databases is considered unreliable, as metrics indicate poor data quality at this position in the gnomAD database. This variant has not been reported in the literature in individuals affected with SLC25A26-related conditions. ClinVar contains an entry for this variant (Variation ID: 377066). Experimental studies and prediction algorithms are not available or were not evaluated, and the functional significance of this variant is currently unknown. In summary, the available evidence is currently insufficient to determine the role of this variant in disease. Therefore, it has been classified as a Variant of Uncertain Significance.

Ambry Genetics
Classification: Uncertain significance for Inborn genetic diseases. Last evaluated: 2022-08-30. Review status: criteria provided, single submitter. Criteria: Ambry Variant Classification Scheme 2023. Collection method: clinical testing. Allele origin: germline.
Comment: The c.803_809delAAGTTGG (p.E268Afs*39) alteration, located in exon 11 (coding exon 10) of the SLC25A26 gene, consists of a deletion of 7 nucleotides from position 803 to 809, causing a translational frameshift with a predicted alternate stop codon after 39 amino acids. Frameshift alterations are typically deleterious in nature (Richards, 2015). Based on insufficient or conflicting evidence, the clinical significance of this alteration remains unclear.

Center for Pediatric Genomic Medicine, Children's Mercy Hospital and Clinics
Classification: Uncertain significance. Last evaluated: 2016-09-23. Review status: criteria provided, single submitter. Criteria: ACMG Guidelines, 2015. Collection method: clinical testing. Allele origin: germline.
ClinVar note: Converted during submission from Uncertain Significance to Uncertain significance.